The following is an entry in ClinVar:

NM_016734.3(PAX5):c.715C>A (p.Arg239Ser)

Gene: PAX5 (paired box 5; minus strand). Cytogenetic location: 9p13.2.
Variant type: single nucleotide variant.
Coding change: c.715C>A on transcript NM_016734.3 (MANE Select); coding-DNA position 715, C replaced by A.
Protein change: p.Arg239Ser; replaces arginine 239 with serine.
Molecular consequence: missense variant. On other transcripts: non-coding transcript variant (2).
Genome position (GRCh38, 1-based): chr9:36,966,614, G>T on the plus strand (C>A on the coding strand, the complement: PAX5 is on the minus strand). VCF-style: chr9-36966614-G-T. GRCh37 (hg19) VCF-style: chr9-36966611-G-T.
Other names: c.715C>A, p.Arg239Ser (NM_001280547.2, NM_001280548.2, NM_001280549.2 and 2 more transcripts); c.391C>A, p.Arg131Ser (NM_001280551.2, NM_001280556.2); c.586C>A, p.Arg196Ser (NM_001280553.2, NM_001280554.2); c.517C>A, p.Arg173Ser (NM_001280555.2); short protein forms R131S, R173S, R196S, R239S.
Identifiers: ClinVar variation 3885980 (VCV003885980.1).

ClinVar aggregate classification (germline): Uncertain significance (1 of 4 stars; one submission).

Conditions:
Inborn genetic diseases. Identifiers: MedGen C0950123, MeSH D030342.

Submission:

Ambry Genetics
Classification: Uncertain significance for Inborn genetic diseases. Last evaluated: 2025-03-11. Review status: criteria provided, single submitter. Criteria: Ambry Variant Classification Scheme 2023. Collection method: clinical testing. Allele origin: germline.
Comment: The p.R239S variant (also known as c.715C>A), located in coding exon 6 of the PAX5 gene, results from a C to A substitution at nucleotide position 715. The arginine at codon 239 is replaced by serine, an amino acid with dissimilar properties. This amino acid position is conserved. In addition, this alteration is predicted to be deleterious by in silico analysis. Based on the available evidence, the clinical significance of this variant remains unclear.